The following is an entry in ClinVar:

NM_024408.4(NOTCH2):c.2578T>C (p.Leu860=)

Gene: NOTCH2 (notch receptor 2; minus strand). Cytogenetic location: 1p12.
Variant type: single nucleotide variant.
Coding change: c.2578T>C on transcript NM_024408.4 (MANE Select); coding-DNA position 2578, T replaced by C.
Protein change: p.Leu860=; no amino-acid change (leucine 860 retained).
Molecular consequence: synonymous variant.
Genome position (GRCh38, 1-based): chr1:119,949,028, A>G on the plus strand (T>C on the coding strand, the complement: NOTCH2 is on the minus strand). VCF-style: chr1-119949028-A-G. GRCh37 (hg19) VCF-style: chr1-120491651-A-G.
Other names: c.2578T>C, p.Leu860= (NM_001200001.2); c.2578T>C (NM_024408.3).
Identifiers: ClinVar variation 594463 (VCV000594463.14), dbSNP rs200524116, ClinGen allele CA1040252.
Genomic context (GRCh38, chr1:119,949,028, plus strand): 5'-GAATGCATGTTCTTGGCTTCTCCACACCCATGTTCTTACCTTGCCAGCCAGGAGCACACA[A>G]GCAAGTATAACTCTCAAAATTTGGTGACTCTTTGCAAACAGCAGCATTCTCACAAGGGTT-3'
Protein context (NP_077719.2, residues 850-870): ESPNFESYTC[Leu860=]CAPGWQGQRC

ClinVar aggregate classification (germline): Conflicting classifications of pathogenicity. Review status: criteria provided, conflicting classifications (1 of 4 stars). 3 submissions from 3 submitters: Uncertain significance (1); Likely benign (2). Last evaluated 2025-11-12.

Conditions:
NOTCH2-related disorder. Also called: NOTCH2-related condition.
Hajdu-Cheney syndrome (HJCYS). Also called: SERPENTINE FIBULA-POLYCYSTIC KIDNEY SYNDROME; ACROOSTEOLYSIS WITH OSTEOPOROSIS AND CHANGES IN SKULL AND MANDIBLE; Acroosteolysis dominant type. Identifiers: Orphanet 955, MedGen C0917715, MONDO:0007057, OMIM 102500.

Allele frequency attached by ClinVar (database versions not stated): ExAC 0.00001; gnomAD exomes 0.00001; TOPMed 0.00010; 1000 Genomes Project 30x 0.00016; 1000 Genomes Project 0.00020.
gnomAD v4.1: 16 of 1,614,258 alleles (0.00099%); highest among the groups gnomAD compares: Admixed American, 0.02%; no homozygotes.

Submissions (3):

Labcorp Genetics (formerly Invitae), Labcorp
Classification: Likely benign for Hajdu-Cheney syndrome. Last evaluated: 2025-11-12. Review status: criteria provided, single submitter. Criteria: Invitae Variant Classification Sherloc (09022015). Collection method: clinical testing. Allele origin: germline.

PreventionGenetics, part of Exact Sciences
Classification: Likely benign for NOTCH2-related condition. Last evaluated: 2024-10-10. Review status: criteria provided, single submitter. Criteria: ACMG Guidelines, 2015. Collection method: clinical testing. Allele origin: germline.
Comment: This variant is classified as likely benign based on ACMG/AMP sequence variant interpretation guidelines (Richards et al. 2015 PMID: 25741868, with internal and published modifications).

Eurofins Ntd Llc (ga)
Classification: Uncertain significance. Last evaluated: 2017-10-10. Review status: criteria provided, single submitter. Criteria: EGL Classification Definitions 2015. Collection method: clinical testing. Allele origin: germline. Observed: 1 variant allele, 1 heterozygote.